The following is an entry in ClinVar:

NM_001378778.1(MPDZ):c.1547-9C>G

Gene: MPDZ (multiple PDZ domain crumbs cell polarity complex component; minus strand). Cytogenetic location: 9p23.
Variant type: single nucleotide variant.
Coding change: c.1547-9C>G on transcript NM_001378778.1 (MANE Select); 9 bases into the intron before coding-DNA position 1547, C replaced by G.
Molecular consequence: intron variant.
Genome position (GRCh38, 1-based): chr9:13,196,239, G>C on the plus strand (C>G on the coding strand, the complement: MPDZ is on the minus strand). VCF-style: chr9-13196239-G-C. GRCh37 (hg19) VCF-style: chr9-13196238-G-C.
Other names: c.1547-9C>G (NM_001375425.1, NM_001375420.1, NM_001375419.1 and 14 more transcripts).
Identifiers: ClinVar variation 1491456 (VCV001491456.4), dbSNP rs2135272956, ClinGen allele CA2573143543.

ClinVar aggregate classification (germline): Uncertain significance (1 of 4 stars; one submission).

Submissions (2):

Labcorp Genetics (formerly Invitae), Labcorp
Classification: Uncertain significance. Last evaluated: 2021-11-28. Review status: criteria provided, single submitter. Criteria: Invitae Variant Classification Sherloc (09022015). Collection method: clinical testing. Allele origin: germline.
Comment: This sequence change falls in intron 12 of the MPDZ gene. It does not directly change the encoded amino acid sequence of the MPDZ protein. This variant is not present in population databases (gnomAD no frequency). This variant has not been reported in the literature in individuals affected with MPDZ-related conditions. Algorithms developed to predict the effect of sequence changes on RNA splicing suggest that this variant may disrupt the consensus splice site. In summary, the available evidence is currently insufficient to determine the role of this variant in disease. Therefore, it has been classified as a Variant of Uncertain Significance.

Dr. Peter K. Rogan Lab, Western University
No classification provided (evidence only). Condition: Ovarian serous cystadenocarcinoma. Review status: no classification provided. Collection method: in vitro. Allele origin: not applicable. Functional consequence: retained intron. Not counted in ClinVar's aggregate classification.